The following is an entry in ClinVar:

NM_001080409.3(ZNF99):c.1965T>C (p.Gly655=)

Gene: ZNF99 (zinc finger protein 99; minus strand). Cytogenetic location: 19p12.
Variant type: single nucleotide variant.
Coding change: c.1965T>C on transcript NM_001080409.3 (MANE Select); coding-DNA position 1965, T replaced by C.
Protein change: p.Gly655=; no amino-acid change (glycine 655 retained).
Molecular consequence: synonymous variant.
Genome position (GRCh38, 1-based): chr19:22,757,944, A>G on the plus strand (T>C on the coding strand, the complement: ZNF99 is on the minus strand). VCF-style: chr19-22757944-A-G. GRCh37 (hg19) VCF-style: chr19-22940746-A-G.
Identifiers: ClinVar variation 3904896 (VCV003904896.10).
Genomic context (GRCh38, chr19:22,757,944, plus strand): 5'-TTTCTCTTCAGTATGAATTACTTTATGTCTAGTAAGGTGTGAGGACCACTTAAAAGCTTT[A>G]CCACATTCTTCACATTTGTAGGGTTTCTCTCCAGTATGAATTATCTCATGTTTTCTAAGG-3'
Protein context (NP_001073878.2, residues 645-665): GEKPYKCEEC[Gly655=]KAFKWSSHLT

ClinVar aggregate classification (germline): Likely benign (1 of 4 stars; one submission).

Submission:

CeGaT Center for Human Genetics Tuebingen
Classification: Likely benign. Last evaluated: 2025-05-01. Review status: criteria provided, single submitter. Criteria: CeGaT Center For Human Genetics Tuebingen Variant Classification Criteria Version 2. Collection method: clinical testing. Allele origin: germline. Affected: yes. Observed: 1 variant allele.
Comment: ZNF99: BP4, BP7